The following is an entry in ClinVar:

ClinVar aggregate classification (germline): Uncertain significance (1 of 4 stars; one submission).

Conditions:
Hereditary cancer-predisposing syndrome. Also called: Hereditary Cancer Syndrome; Neoplastic Syndromes, Hereditary; Hereditary neoplastic syndrome; Tumor predisposition. Identifiers: Orphanet 140162, MedGen C0027672, MeSH D009386, MONDO:0015356.

Submission:

Ambry Genetics
Classification: Uncertain significance for Hereditary cancer-predisposing syndrome. Last evaluated: 2017-09-05. Review status: criteria provided, single submitter. Criteria: Ambry Autosomal Dominant and X-Linked criteria (3/2017). Collection method: clinical testing. Allele origin: germline. Observed: 1 variant allele.
Comment: The p.G69C variant (also known as c.205G>T), located in coding exon 3 of the SDHB gene, results from a G to T substitution at nucleotide position 205. The glycine at codon 69 is replaced by cysteine, an amino acid with highly dissimilar properties. This amino acid position is highly conserved in available vertebrate species. In addition, this alteration is predicted to be deleterious by in silico analysis. Since supporting evidence is limited at this time, the clinical significance of this alteration remains unclear.

NM_003000.3(SDHB):c.205G>T (p.Gly69Cys)

Gene: SDHB (succinate dehydrogenase complex iron sulfur subunit B; minus strand). Cytogenetic location: 1p36.13.
Variant type: single nucleotide variant.
Coding change: c.205G>T on transcript NM_003000.3 (MANE Select); coding-DNA position 205, G replaced by T.
Protein change: p.Gly69Cys; replaces glycine 69 with cysteine.
Molecular consequence: missense variant.
Genome position (GRCh38, 1-based): chr1:17,033,141, C>A on the plus strand (G>T on the coding strand, the complement: SDHB is on the minus strand). VCF-style: chr1-17033141-C-A. GRCh37 (hg19) VCF-style: chr1-17359636-C-A.
Other names: short protein forms G69C.
Identifiers: ClinVar variation 428917 (VCV000428917.4), dbSNP rs1131691048, ClinGen allele CA338276636.